The following is an entry in ClinVar:

NM_001035.3(RYR2):c.3446A>G (p.Asn1149Ser)

Gene: RYR2 (ryanodine receptor 2; plus strand). Cytogenetic location: 1q43.
Variant type: single nucleotide variant.
Coding change: c.3446A>G on transcript NM_001035.3 (MANE Select); coding-DNA position 3446, A replaced by G.
Protein change: p.Asn1149Ser; replaces asparagine 1149 with serine.
Molecular consequence: missense variant.
Genome position (GRCh38, 1-based): chr1:237,569,167, A>G. VCF-style: chr1-237569167-A-G. GRCh37 (hg19) VCF-style: chr1-237732467-A-G.
Other names: c.3446A>G (NM_001035.2); short protein forms N1149S.
Identifiers: ClinVar variation 924474 (VCV000924474.9), dbSNP rs1289440571, ClinGen allele CA345389838.
Genomic context (GRCh38, chr1:237,569,167, plus strand): 5'-TTAGTCTGTGACAAGGGACTTTTCTGTCCTCTGTATAGGCCCAGCGGTGGCATCAGGGCA[A>G]TGAACACTATGGGCGCTCTTGGCAAGCAGGCGATGTCGTGGGGTGTATGGTTGACATGAA-3'
Protein context (NP_001026.2, residues 1139-1159): GFKAQRWHQG[Asn1149Ser]EHYGRSWQAG

ClinVar aggregate classification (germline): Conflicting classifications of pathogenicity. Review status: criteria provided, conflicting classifications (1 of 4 stars). 4 submissions from 4 submitters: Uncertain significance (3); Likely benign (1). Last evaluated 2025-07-22.

Conditions:
Cardiovascular phenotype. Identifiers: MedGen CN230736.
Catecholaminergic polymorphic ventricular tachycardia (CVPT). Also called: Catecholamine-induced polymorphic ventricular tachycardia. Identifiers: Orphanet 3286, MedGen C5574922, MONDO:0017990.
Catecholaminergic polymorphic ventricular tachycardia 1. Also called: VENTRICULAR TACHYCARDIA, CATECHOLAMINERGIC POLYMORPHIC, 1, WITH OR WITHOUT ATRIAL DYSFUNCTION AND/OR DILATED CARDIOMYOPATHY; RYR2-Related Catecholaminergic Polymorphic Ventricular Tachycardia; VENTRICULAR TACHYCARDIA, STRESS-INDUCED POLYMORPHIC 1. Identifiers: Orphanet 3286, MedGen C1631597, MONDO:0011484, OMIM 604772.
Cardiomyopathy (CMYO). Also called: Cardiomyopathies. Identifiers: Orphanet 167848, MedGen C0878544, MONDO:0004994, HP:0001638. Inheritance: Various modes of inheritance.

Allele frequency attached by ClinVar (database versions not stated): gnomAD exomes below 0.00001; TOPMed below 0.00001.
gnomAD v4.1: 3 of 1,613,858 alleles (0.00019%); highest among the groups gnomAD compares: Admixed American, 0.0017%; no homozygotes.

Submissions (4):

Ambry Genetics
Classification: Likely benign for Cardiovascular phenotype. Last evaluated: 2025-07-22. Review status: criteria provided, single submitter. Criteria: Ambry Variant Classification Scheme 2023. Collection method: clinical testing. Allele origin: germline.

Color Diagnostics, LLC DBA Color Health
Classification: Uncertain significance for Cardiomyopathy. Last evaluated: 2024-03-06. Review status: criteria provided, single submitter. Criteria: ACMG Guidelines, 2015. Collection method: clinical testing. Allele origin: germline.
Comment: This variant is located in the RYR2 protein. Computational prediction suggests that this variant may not impact protein structure and function (internally defined REVEL score threshold <= 0.5, PMID: 27666373). To our knowledge, functional studies have not been reported for this variant. This variant has not been reported in individuals affected with RYR2-related disorders in the literature. This variant has been identified in 1/248872 chromosomes in the general population by the Genome Aggregation Database (gnomAD). The available evidence is insufficient to determine the role of this variant in disease conclusively. Therefore, this variant is classified as a Variant of Uncertain Significance.

All of Us Research Program, National Institutes of Health
Classification: Uncertain significance for Catecholaminergic polymorphic ventricular tachycardia. Last evaluated: 2023-10-30. Review status: criteria provided, single submitter. Criteria: ACMG Guidelines, 2015. Collection method: clinical testing. Allele origin: germline. Inheritance: Autosomal dominant inheritance. Observed: 2 variant alleles, 2 heterozygotes.
Comment: Variant of Uncertain Significance due to insufficient evidence: This missense variant is located in the cytoplasmic domain of the RYR2 protein. Computational prediction tools and conservation analyses suggest that this variant may not impact the protein function. Computational splicing tools suggest that this variant may not impact RNA splicing. To our knowledge, functional assays have not been performed for this variant nor has this variant been reported in individuals affected with cardiovascular disorders in the literature. This variant has been identified in 1/245734 chromosomes in the general population by the Genome Aggregation Database (gnomAD). Available evidence is insufficient to determine the pathogenicity of this variant conclusively.

This study involves interpretation of variants in research participants for the purpose of population health screening. Participant phenotype was not available at the time of variant classification. Additional details can be found in publication PMID: 35346344, PMCID: PMC8962531

Labcorp Genetics (formerly Invitae), Labcorp
Classification: Uncertain significance for Catecholaminergic polymorphic ventricular tachycardia 1. Last evaluated: 2023-10-09. Review status: criteria provided, single submitter. Criteria: Invitae Variant Classification Sherloc (09022015). Collection method: clinical testing. Allele origin: germline.
Comment: This sequence change replaces asparagine, which is neutral and polar, with serine, which is neutral and polar, at codon 1149 of the RYR2 protein (p.Asn1149Ser). This variant is present in population databases (no rsID available, gnomAD 0.003%). This variant has not been reported in the literature in individuals affected with RYR2-related conditions. ClinVar contains an entry for this variant (Variation ID: 924474). Advanced modeling of protein sequence and biophysical properties (such as structural, functional, and spatial information, amino acid conservation, physicochemical variation, residue mobility, and thermodynamic stability) performed at Invitae indicates that this missense variant is not expected to disrupt RYR2 protein function. In summary, the available evidence is currently insufficient to determine the role of this variant in disease. Therefore, it has been classified as a Variant of Uncertain Significance.